The following is an entry in ClinVar:

ClinVar aggregate classification (germline): Uncertain significance (1 of 4 stars; one submission).

gnomAD v4.1: 13 of 1,613,638 alleles (0.00081%); highest among the groups gnomAD compares: East Asian, 0.016%; no homozygotes.

Submission:

Labcorp Genetics (formerly Invitae), Labcorp
Classification: Uncertain significance. Last evaluated: 2024-05-23. Review status: criteria provided, single submitter. Criteria: Invitae Variant Classification Sherloc (09022015). Collection method: clinical testing. Allele origin: germline.
Comment: This sequence change replaces arginine, which is basic and polar, with glutamine, which is neutral and polar, at codon 953 of the MYO18B protein (p.Arg953Gln). This variant is not present in population databases (gnomAD no frequency). This variant has not been reported in the literature in individuals affected with MYO18B-related conditions. An algorithm developed to predict the effect of missense changes on protein structure and function (PolyPhen-2) suggests that this variant is likely to be disruptive. In summary, the available evidence is currently insufficient to determine the role of this variant in disease. Therefore, it has been classified as a Variant of Uncertain Significance.

NM_032608.7(MYO18B):c.2858G>A (p.Arg953Gln)

Gene: MYO18B (myosin XVIIIB; plus strand). Cytogenetic location: 22q12.1.
Variant type: single nucleotide variant.
Coding change: c.2858G>A on transcript NM_032608.7 (MANE Select); coding-DNA position 2858, G replaced by A.
Protein change: p.Arg953Gln; replaces arginine 953 with glutamine.
Molecular consequence: missense variant.
Genome position (GRCh38, 1-based): chr22:25,828,847, G>A. VCF-style: chr22-25828847-G-A. GRCh37 (hg19) VCF-style: chr22-26224814-G-A.
Other names: c.2858G>A, p.Arg953Gln (NM_001318245.2); short protein forms R953Q.
Identifiers: ClinVar variation 3699236 (VCV003699236.1).